The following is an entry in ClinVar:

NM_000059.4(BRCA2):c.9256+3870G>A

Gene: BRCA2 (BRCA2 DNA repair associated; plus strand). Cytogenetic location: 13q13.1.
Variant type: single nucleotide variant.
Coding change: c.9256+3870G>A on transcript NM_000059.4 (MANE Select); 3870 bases into the intron after coding-DNA position 9256, G replaced by A.
Molecular consequence: intron variant.
Genome position (GRCh38, 1-based): chr13:32,384,015, G>A. VCF-style: chr13-32384015-G-A. GRCh37 (hg19) VCF-style: chr13-32958152-G-A.
Other names: IVS 24+3870G>A.
Identifiers: ClinVar variation 209862 (VCV000209862.1), dbSNP rs11571786, ClinGen allele CA276830.

ClinVar aggregate classification (germline): Benign (3 of 4 stars; one submission).

Conditions:
Breast-ovarian cancer, familial, susceptibility to, 2 (BROVCA2). Also called: BRCA2 Hereditary Breast and Ovarian Cancer. Identifiers: Orphanet 145, MedGen C2675520, MONDO:0012933, OMIM 612555. Disease mechanism: loss of function.

Allele frequency attached by ClinVar (database versions not stated): gnomAD 0.00392 and 0.00411; TOPMed 0.00419; 1000 Genomes Project 0.00659; 1000 Genomes Project 30x 0.00718.
gnomAD v4.1: 590 of 152,322 alleles (0.39%); highest among the groups gnomAD compares: African/African-American, 1.3%; 5 homozygotes.

Submission:

Evidence-based Network for the Interpretation of Germline Mutant Alleles (ENIGMA)
Classification: Benign for Breast-ovarian cancer, familial 2. Last evaluated: 2015-01-12. Review status: reviewed by expert panel. Criteria: ENIGMA BRCA1/2 Classification Criteria (2015). Collection method: curation. Allele origin: germline.
Comment: Class 1 not pathogenic based on frequency >1% in an outbred sampleset. Frequency 0.02642 (African), derived from 1000 genomes (2012-04-30).